The following is an entry in ClinVar:

NM_017646.6(TRIT1):c.111C>T (p.Ser37=)

Genes: MYCL-AS1 (MYCL antisense RNA 1; plus strand), TRIT1 (tRNA isopentenyltransferase 1; minus strand). Cytogenetic location: 1p34.2.
Variant type: single nucleotide variant.
Coding change: c.111C>T on transcript NM_017646.6 (MANE Select); coding-DNA position 111, C replaced by T.
Protein change: p.Ser37=; no amino-acid change (serine 37 retained).
Molecular consequence: synonymous variant. On other transcripts: non-coding transcript variant (1).
Genome position (GRCh38, 1-based): chr1:39,883,381, G>A on the plus strand (C>T on the coding strand, the complement: TRIT1 is on the minus strand). VCF-style: chr1-39883381-G-A. GRCh37 (hg19) VCF-style: chr1-40349053-G-A.
Other names: c.111C>T, p.Ser37= (NM_001312691.2, NM_001312692.2).
Identifiers: ClinVar variation 4534792 (VCV004534792.6).

ClinVar aggregate classification (germline): Likely benign (1 of 4 stars; one submission).

gnomAD v4.1: 17 of 1,613,376 alleles (0.0011%); highest among the groups gnomAD compares: Admixed American, 0.028%; no homozygotes.

Submission:

CeGaT Center for Human Genetics Tuebingen
Classification: Likely benign. Last evaluated: 2025-11-01. Review status: criteria provided, single submitter. Criteria: CeGaT Center For Human Genetics Tuebingen Variant Classification Criteria Version 2. Collection method: clinical testing. Allele origin: germline. Affected: yes. Observed: 1 variant allele.
Comment: TRIT1: BP4, BP7